The following is an entry in ClinVar:

NM_007254.4(PNKP):c.1035T>C (p.Thr345=)

Gene: PNKP (polynucleotide kinase 3'-phosphatase; minus strand). Cytogenetic location: 19q13.33.
Variant type: single nucleotide variant.
Coding change: c.1035T>C on transcript NM_007254.4 (MANE Select); coding-DNA position 1035, T replaced by C.
Protein change: p.Thr345=; no amino-acid change (threonine 345 retained).
Molecular consequence: synonymous variant.
Genome position (GRCh38, 1-based): chr19:49,862,276, A>G on the plus strand (T>C on the coding strand, the complement: PNKP is on the minus strand). VCF-style: chr19-49862276-A-G. GRCh37 (hg19) VCF-style: chr19-50365533-A-G.
Identifiers: ClinVar variation 3026600 (VCV003026600.22), dbSNP rs1318143362, ClinGen allele CA508296276.
Genomic context (GRCh38, chr19:49,862,276, plus strand): 5'-CGGGCTGGCGCTCAGGAGGGCCCTGGACTCGGGGAGGCAGAGAGGCCCTGAGCGGGAGAC[A>G]GTCCTCTGCGAGGGGCGGGGGACACGCGTGAGATGCCGTCCCCATCCCCGGGAGCCCTCC-3'
Protein context (NP_009185.2, residues 335-355): GFELPAFDPR[Thr345=]VSRSGPLCLP

ClinVar aggregate classification (germline): Likely benign (1 of 4 stars; one submission).

Allele frequency attached by ClinVar (database versions not stated): gnomAD exomes below 0.00001.
gnomAD v4.1: 1 of 1,595,714 alleles (0.000063%); highest among the groups gnomAD compares: African/African-American, 0.0013%; no homozygotes.

Submission:

CeGaT Center for Human Genetics Tuebingen
Classification: Likely benign. Last evaluated: 2023-12-01. Review status: criteria provided, single submitter. Criteria: CeGaT Center For Human Genetics Tuebingen Variant Classification Criteria Version 2. Collection method: clinical testing. Allele origin: germline. Affected: yes. Observed: 1 variant allele.
Comment: PNKP: BP4, BP7